The following is an entry in ClinVar:

ClinVar aggregate classification (germline): Conflicting classifications of pathogenicity. Review status: criteria provided, conflicting classifications (1 of 4 stars). 2 submissions from 2 submitters: Uncertain significance (1); Likely benign (1). Last evaluated 2025-07-06.

Conditions:
Inborn genetic diseases. Identifiers: MedGen C0950123, MeSH D030342.
Dyskeratosis congenita, autosomal recessive 5 (DKCB5). Identifiers: MedGen C3554656, MONDO:0014076, OMIM 615190.
Pulmonary fibrosis and/or bone marrow failure, Telomere-related, 3. Also called: PULMONARY FIBROSIS AND/OR BONE MARROW FAILURE SYNDROME, TELOMERE-RELATED, 3. Identifiers: Orphanet 2032, MedGen C4225346, MONDO:0014613, OMIM 616373.

Allele frequency attached by ClinVar (database versions not stated): gnomAD exomes 0.00003 and 0.00002; gnomAD 0.00001; ExAC 0.00002; TOPMed below 0.00001.
gnomAD v4.1: 43 of 1,612,156 alleles (0.0027%); highest among the groups gnomAD compares: Admixed American, 0.0033%; no homozygotes.

Submissions (2):

Labcorp Genetics (formerly Invitae), Labcorp
Classification: Likely benign for Dyskeratosis congenita, autosomal recessive 5; Pulmonary fibrosis and/or bone marrow failure, Telomere-related, 3. Last evaluated: 2025-07-06. Review status: criteria provided, single submitter. Criteria: Invitae Variant Classification Sherloc (09022015). Collection method: clinical testing. Allele origin: germline.

Ambry Genetics
Classification: Uncertain significance for Inborn genetic diseases. Last evaluated: 2025-01-17. Review status: criteria provided, single submitter. Criteria: Ambry Variant Classification Scheme 2023. Collection method: clinical testing. Allele origin: germline.
Comment: The p.G1236R variant (also known as c.3706G>A), located in coding exon 33 of the RTEL1 gene, results from a G to A substitution at nucleotide position 3706. The glycine at codon 1236 is replaced by arginine, an amino acid with dissimilar properties. This amino acid position is conserved. In addition, this alteration is predicted to be tolerated by in silico analysis. Based on the available evidence, the clinical significance of this variant remains unclear.

NM_001283009.2(RTEL1):c.3706G>A (p.Gly1236Arg)

Genes: RTEL1 (regulator of telomere elongation helicase 1; plus strand), RTEL1-TNFRSF6B (RTEL1-TNFRSF6B readthrough (NMD candidate); plus strand). Cytogenetic location: 20q13.33.
Variant type: single nucleotide variant.
Coding change: c.3706G>A on transcript NM_001283009.2 (MANE Select); coding-DNA position 3706, G replaced by A.
Protein change: p.Gly1236Arg; replaces glycine 1236 with arginine.
Molecular consequence: missense variant. On other transcripts: non-coding transcript variant (1), intron variant (3).
Genome position (GRCh38, 1-based): chr20:63,695,534, G>A. VCF-style: chr20-63695534-G-A. GRCh37 (hg19) VCF-style: chr20-62326887-G-A.
Other names: c.2983+54G>A (NM_001283010.1); c.3724+54G>A (NM_032957.5); c.3652+54G>A (NM_016434.4); short protein forms G1236R.
Identifiers: ClinVar variation 1638189 (VCV001638189.9), dbSNP rs200225613, ClinGen allele CA9966165.